The following is an entry in ClinVar:

NM_005476.7(GNE):c.636dup (p.Asp213fs)

Gene: GNE (glucosamine (UDP-N-acetyl)-2-epimerase/N-acetylmannosamine kinase; minus strand). Cytogenetic location: 9p13.3.
Variant type: Duplication.
Coding change: c.636dup on transcript NM_005476.7 (MANE Select); coding-DNA position 636, one base duplicated (A; older notation c.636dupA).
Protein change: p.Asp213fs; shifts the reading frame from aspartic acid 213.
Molecular consequence: frameshift variant. On other transcripts: intron variant (2).
Genome position (GRCh38, 1-based): chr9:36,236,965, T duplicated on the plus strand (A on the coding strand, the reverse complement: GNE is on the minus strand); the first of 3 consecutive T bases (chr9:36,236,965-36,236,967); duplicating any one gives the same sequence. VCF-style (leftmost placement, unchanged base first): chr9-36236964-C-CT. GRCh37 (hg19) VCF-style: chr9-36236961-C-CT.
Other names: c.729dup (NM_001128227.2); c.729dup, p.Asp244fs (NM_001128227.3); c.636dup, p.Asp213fs (NM_001190383.3); c.459dup, p.Asp154fs (NM_001190388.2, NM_001374798.1); c.440-2835dup (NM_001190384.3); c.617-2835dup (NM_001374797.1); short protein forms D213fs, D244fs, D154fs.
Identifiers: ClinVar variation 371213 (VCV000371213.11), dbSNP rs1057517094, ClinGen allele CA16041321.

ClinVar aggregate classification (germline): Pathogenic/Likely pathogenic. Review status: criteria provided, multiple submitters, no conflicts (2 of 4 stars). 3 submissions from 3 submitters: Pathogenic (1); Likely pathogenic (1). 1 of the submissions does not count toward it. Last evaluated 2023-05-18.

Conditions:
Sialuria. Also called: Sialic Acid Storage Disease; SIALURIA, FRENCH TYPE. Identifiers: Orphanet 3166, MedGen C0342853, MONDO:0010028, OMIM 269921.
GNE myopathy (NM). Also called: INCLUSION BODY MYOPATHY 2, AUTOSOMAL RECESSIVE; INCLUSION BODY MYOPATHY, HEREDITARY, AUTOSOMAL RECESSIVE; Inclusion body myopathy autosomal recessive; Inclusion body myopathy quadriceps sparing; IBM 2; NONAKA DISTAL MYOPATHY. Identifiers: Orphanet 602, MedGen C1853926, MONDO:0011603, OMIM 605820.

Submissions (3):

Baylor Genetics
Classification: Likely pathogenic for GNE myopathy. Last evaluated: 2023-05-18. Review status: criteria provided, single submitter. Criteria: ACMG Guidelines, 2015. Collection method: clinical testing. Allele origin: unknown.

Labcorp Genetics (formerly Invitae), Labcorp
Classification: Pathogenic for Sialuria; GNE myopathy. Last evaluated: 2020-02-04. Review status: criteria provided, single submitter. Criteria: Invitae Variant Classification Sherloc (09022015). Collection method: clinical testing. Allele origin: germline.
Comment: This variant has not been reported in the literature in individuals with GNE-related conditions. ClinVar contains an entry for this variant (Variation ID: 371213). For these reasons, this variant has been classified as Pathogenic. Loss-of-function variants in GNE are known to be pathogenic (PMID: 24027297). This variant is not present in population databases (ExAC no frequency). This sequence change creates a premature translational stop signal (p.Asp244Argfs*13) in the GNE gene. It is expected to result in an absent or disrupted protein product.

Counsyl
Classification: Likely pathogenic for GNE myopathy. Last evaluated: 2016-07-29. Review status: no assertion criteria provided. Collection method: clinical testing. Allele origin: unknown. Not counted in ClinVar's aggregate classification.

Literature cited by the submitters: PubMed 24027297 (cited by Labcorp Genetics (formerly Invitae), Labcorp); PubMed 16503651 (cited by Counsyl).